The following is an entry in ClinVar:

ClinVar aggregate classification (germline): Uncertain significance (1 of 4 stars; one submission).

Submission:

Ambry Genetics
Classification: Uncertain significance. Last evaluated: 2024-12-02. Review status: criteria provided, single submitter. Criteria: Ambry Variant Classification Scheme 2023. Collection method: clinical testing. Allele origin: germline.
Comment: The p.E37K variant (also known as c.109G>A), located in coding exon 1 of the RNF43 gene, results from a G to A substitution at nucleotide position 109. The glutamic acid at codon 37 is replaced by lysine, an amino acid with similar properties. This amino acid position is conserved. In addition, the in silico prediction for this alteration is inconclusive. Based on the available evidence, the clinical significance of this variant remains unclear.

NM_017763.6(RNF43):c.109G>A (p.Glu37Lys)

Gene: RNF43 (ring finger protein 43; minus strand). Cytogenetic location: 17q22.
Variant type: single nucleotide variant.
Coding change: c.109G>A on transcript NM_017763.6 (MANE Select); coding-DNA position 109, G replaced by A.
Protein change: p.Glu37Lys; replaces glutamic acid 37 with lysine.
Molecular consequence: missense variant.
Genome position (GRCh38, 1-based): chr17:58,415,469, C>T on the plus strand (G>A on the coding strand, the complement: RNF43 is on the minus strand). VCF-style: chr17-58415469-C-T. GRCh37 (hg19) VCF-style: chr17-56492830-C-T.
Other names: c.109G>A, p.Glu37Lys (NM_001305544.3); short protein forms E37K.
Identifiers: ClinVar variation 3434538 (VCV003434538.1).